The following is an entry in ClinVar:

NM_018105.3(THAP1):c.395T>C (p.Phe132Ser)

Gene: THAP1 (THAP domain containing 1; minus strand). Cytogenetic location: 8p11.21.
Variant type: single nucleotide variant.
Coding change: c.395T>C on transcript NM_018105.3 (MANE Select); coding-DNA position 395, T replaced by C.
Protein change: p.Phe132Ser; replaces phenylalanine 132 with serine.
Molecular consequence: missense variant. On other transcripts: 3 prime UTR variant (1).
Genome position (GRCh38, 1-based): chr8:42,838,209, A>G on the plus strand (T>C on the coding strand, the complement: THAP1 is on the minus strand). VCF-style: chr8-42838209-A-G. GRCh37 (hg19) VCF-style: chr8-42693352-A-G.
Other names: c.*37T>C (NM_199003.2); short protein forms F132S.
Identifiers: ClinVar variation 2629164 (VCV002629164.3), dbSNP rs950435041, ClinGen allele CA176034197.
Genomic context (GRCh38, chr8:42,838,209, plus strand): 5'-AGCTGATGAATCCTTTTCCGCTGGTGCATTGTATCCTCCACAGTATAGTTGTGGTCACAG[A>G]AAACTGAGAGATTAACAGGGGTCTGAAGAGGCGGCATTAGTAATCCAATAGCAGCATCAA-3'
Protein context (NP_060575.1, residues 122-142): PLQTPVNLSV[Phe132Ser]CDHNYTVEDT

ClinVar aggregate classification (germline): Uncertain significance. Review status: criteria provided, multiple submitters, no conflicts (2 of 4 stars). 2 submissions from 2 submitters: Uncertain significance (2). Last evaluated 2024-12-14.

Conditions:
THAP1-related disorder. Also called: THAP1-related condition.
Torsion dystonia 6 (DYT6). Also called: DYT-THAP1. Identifiers: Orphanet 98806, MedGen C1414216, MONDO:0011264, OMIM 602629.

Allele frequency attached by ClinVar (database versions not stated): gnomAD 0.00002; TOPMed 0.00002; gnomAD exomes 0.00004.

Submissions (2):

Labcorp Genetics (formerly Invitae), Labcorp
Classification: Uncertain significance for Torsion dystonia 6. Last evaluated: 2024-12-14. Review status: criteria provided, single submitter. Criteria: Invitae Variant Classification Sherloc (09022015). Collection method: clinical testing. Allele origin: germline.
Comment: This sequence change replaces phenylalanine, which is neutral and non-polar, with serine, which is neutral and polar, at codon 132 of the THAP1 protein (p.Phe132Ser). This variant is present in population databases (no rsID available, gnomAD 0.009%). This missense change has been observed in individual(s) with dystonia (PMID: 20083799). ClinVar contains an entry for this variant (Variation ID: 2629164). An algorithm developed to predict the effect of missense changes on protein structure and function (PolyPhen-2) suggests that this variant is likely to be tolerated. In summary, the available evidence is currently insufficient to determine the role of this variant in disease. Therefore, it has been classified as a Variant of Uncertain Significance.

PreventionGenetics, part of Exact Sciences
Classification: Uncertain significance for THAP1-related condition. Last evaluated: 2023-02-06. Review status: criteria provided, single submitter. Criteria: ACMG Guidelines, 2015. Collection method: clinical testing. Allele origin: germline.
Comment: The THAP1 c.395T>C variant is predicted to result in the amino acid substitution p.Phe132Ser. This variant was reported in an individual with laryngeal dystonia; however, pathogenicity was not established (Xiao et al 2010. PubMed ID: 20083799). This variant is reported in 0.0087% of alleles in individuals of Latino descent in gnomAD. At this time, the clinical significance of this variant is uncertain due to the absence of conclusive functional and genetic evidence.

Literature cited by the submitters: PubMed 20083799 (cited by Labcorp Genetics (formerly Invitae), Labcorp).